The following is an entry in ClinVar:

NM_001429.4(EP300):c.2005A>G (p.Met669Val)

Gene: EP300 (EP300 lysine acetyltransferase; plus strand). Cytogenetic location: 22q13.2.
Variant type: single nucleotide variant.
Coding change: c.2005A>G on transcript NM_001429.4 (MANE Select); coding-DNA position 2005, A replaced by G.
Protein change: p.Met669Val; replaces methionine 669 with valine.
Molecular consequence: missense variant.
Genome position (GRCh38, 1-based): chr22:41,141,174, A>G. VCF-style: chr22-41141174-A-G. GRCh37 (hg19) VCF-style: chr22-41537178-A-G.
Other names: c.2005A>G, p.Met669Val (NM_001362843.2); short protein forms M669V.
Identifiers: ClinVar variation 501114 (VCV000501114.18), dbSNP rs749541256, ClinGen allele CA10252687.

ClinVar aggregate classification (germline): Conflicting classifications of pathogenicity. Review status: criteria provided, conflicting classifications (1 of 4 stars). 3 submissions from 3 submitters: Uncertain significance (2); Benign (1). Last evaluated 2024-10-07.

Conditions:
EP300-related disorder. Also called: EP300-related disorders; EP300-related condition.
Rubinstein-Taybi syndrome due to EP300 haploinsufficiency. Also called: EP300-Related Rubinstein-Taybi Syndrome; RUBINSTEIN-TAYBI SYNDROME 2. Identifiers: Orphanet 353284, Orphanet 783, MedGen C3150941, MONDO:0013364, OMIM 613684.

Allele frequency attached by ClinVar (database versions not stated): gnomAD 0.00001; gnomAD exomes 0.00001; ExAC 0.00002; TOPMed 0.00003.
gnomAD v4.1: 14 of 1,614,128 alleles (0.00087%); highest among the groups gnomAD compares: Admixed American, 0.005%; no homozygotes.

Submissions (3):

PreventionGenetics, part of Exact Sciences
Classification: Uncertain significance for EP300-related condition. Last evaluated: 2024-10-07. Review status: criteria provided, single submitter. Criteria: ACMG Guidelines, 2015. Collection method: clinical testing. Allele origin: germline.
Comment: The EP300 c.2005A>G variant is predicted to result in the amino acid substitution p.Met669Val. To our knowledge, this variant has not been reported in the literature. This variant is reported in 0.0058% of alleles in individuals of Latino descent in gnomAD. At this time, the clinical significance of this variant is uncertain due to the absence of conclusive functional and genetic evidence.

Labcorp Genetics (formerly Invitae), Labcorp
Classification: Benign for Rubinstein-Taybi syndrome due to EP300 haploinsufficiency. Last evaluated: 2023-11-27. Review status: criteria provided, single submitter. Criteria: Invitae Variant Classification Sherloc (09022015). Collection method: clinical testing. Allele origin: germline.

Eurofins Ntd Llc (ga)
Classification: Uncertain significance. Last evaluated: 2017-04-04. Review status: criteria provided, single submitter. Criteria: EGL Classification Definitions 2015. Collection method: clinical testing. Allele origin: germline. Observed: 1 variant allele, 1 heterozygote.